The following is an entry in ClinVar:

NM_006947.4(SRP72):c.1330_1332del (p.Pro444del)

Gene: SRP72 (signal recognition particle 72; plus strand). Cytogenetic location: 4q12.
Variant type: Deletion.
Coding change: c.1330_1332del on transcript NM_006947.4 (MANE Select); coding-DNA positions 1330 to 1332, 3 bases deleted (CCT; older notation c.1330_1332delCCT).
Protein change: p.Pro444del; deletes proline 444.
Molecular consequence: inframe deletion. On other transcripts: non-coding transcript variant (1).
Genome position (GRCh38, 1-based): chr4:56,490,342-56,490,344, CCT deleted; deleting any 3 consecutive bases within chr4:56,490,340-56,490,344 gives the same sequence; the c. name uses the placement nearest the transcript's 3' end. VCF-style (leftmost placement, unchanged base first): chr4-56490339-TCTC-T. GRCh37 (hg19) VCF-style: chr4-57356505-TCTC-T.
Other names: c.1147_1149del, p.Pro383del (NM_001267722.2); short protein forms P383del, P444del.
Identifiers: ClinVar variation 1803634 (VCV001803634.2), dbSNP rs751717848, ClinGen allele CA97607195.
Genomic context (GRCh38, chr4:56,490,339, plus strand): 5'-CACTTGCTAGATATTTAACTTGAAACTTTTTTTTTCTTTTTATTGAAACTGTAGCCAAAA[TCTC>T]CTGCTCATTTGTCCTTGATAAGAGAAGCTGCAAACTTCAAACTCAAATATGGGCGGAAGA-3'

ClinVar aggregate classification (germline): Uncertain significance. Review status: criteria provided, multiple submitters, no conflicts (2 of 4 stars). 2 submissions from 2 submitters: Uncertain significance (2). Last evaluated 2025-05-15.

Submissions (2):

Labcorp Genetics (formerly Invitae), Labcorp
Classification: Uncertain significance. Last evaluated: 2025-05-15. Review status: criteria provided, single submitter. Criteria: Invitae Variant Classification Sherloc (09022015). Collection method: clinical testing. Allele origin: germline.
Comment: This variant, c.1330_1332del, results in the deletion of 1 amino acid(s) of the SRP72 protein (p.Pro444del), but otherwise preserves the integrity of the reading frame. This variant is present in population databases (rs751717848, gnomAD 0.0009%). This variant has not been reported in the literature in individuals affected with SRP72-related conditions. ClinVar contains an entry for this variant (Variation ID: 1803634). Experimental studies and prediction algorithms are not available or were not evaluated, and the functional significance of this variant is currently unknown. In summary, the available evidence is currently insufficient to determine the role of this variant in disease. Therefore, it has been classified as a Variant of Uncertain Significance.

GeneDx
Classification: Uncertain significance. Last evaluated: 2022-06-08. Review status: criteria provided, single submitter. Criteria: GeneDx Variant Classification Process June 2021. Collection method: clinical testing. Allele origin: germline. Affected: yes.
Comment: Not observed at significant frequency in large population cohorts (gnomAD); In-frame deletion of one amino acid in a non-repeat region; In silico analysis supports a deleterious effect on protein structure/function; Has not been previously published as pathogenic or benign to our knowledge